The following is an entry in ClinVar:

NM_053025.4(MYLK):c.4967G>A (p.Ser1656Asn)

Genes: MYLK (myosin light chain kinase; minus strand), MYLK-AS1 (MYLK antisense RNA 1; plus strand), LOC126806791 (MED14-independent group 3 enhancer GRCh37_chr3:123347871-123349070; plus strand). Cytogenetic location: 3q21.1.
Variant type: single nucleotide variant.
Coding change: c.4967G>A on transcript NM_053025.4 (MANE Select); coding-DNA position 4967, G replaced by A.
Protein change: p.Ser1656Asn; replaces serine 1656 with asparagine.
Molecular consequence: missense variant. On other transcripts: non-coding transcript variant (2), intron variant (2).
Genome position (GRCh38, 1-based): chr3:123,629,621, C>T on the plus strand (G>A on the coding strand, the complement: MYLK is on the minus strand). VCF-style: chr3-123629621-C-T. GRCh37 (hg19) VCF-style: chr3-123348468-C-T.
Other names: c.4439G>A, p.Ser1480Asn (NM_001321309.2); c.4760G>A, p.Ser1587Asn (NM_053026.4); c.4755-2680G>A (NM_053028.4); c.4962-2680G>A (NM_053027.4); short protein forms S1480N, S1587N, S1656N.
Identifiers: ClinVar variation 1056333 (VCV001056333.9), dbSNP rs2108006107, ClinGen allele CA354233430.

ClinVar aggregate classification (germline): Uncertain significance (1 of 4 stars; one submission).

Conditions:
Aortic aneurysm, familial thoracic 7 (AAT7). Also called: AORTIC DISSECTION, FAMILIAL, WITH OR WITHOUT AORTIC ANEURYSM. Identifiers: MedGen C3151077, MONDO:0013418, OMIM 613780.

Submission:

Labcorp Genetics (formerly Invitae), Labcorp
Classification: Uncertain significance for Aortic aneurysm, familial thoracic 7. Last evaluated: 2020-06-12. Review status: criteria provided, single submitter. Criteria: Invitae Variant Classification Sherloc (09022015). Collection method: clinical testing. Allele origin: germline.
Comment: In summary, the available evidence is currently insufficient to determine the role of this variant in disease. Therefore, it has been classified as a Variant of Uncertain Significance. Algorithms developed to predict the effect of missense changes on protein structure and function are either unavailable or do not agree on the potential impact of this missense change (SIFT: "Deleterious"; PolyPhen-2: "Benign"; Align-GVGD: "Class C0"). This variant has not been reported in the literature in individuals with MYLK-related conditions. This variant is not present in population databases (ExAC no frequency). This sequence change replaces serine with asparagine at codon 1656 of the MYLK protein (p.Ser1656Asn). The serine residue is highly conserved and there is a small physicochemical difference between serine and asparagine.